The following is an entry in ClinVar:

ClinVar aggregate classification (germline): Uncertain significance. Review status: criteria provided, multiple submitters, no conflicts (2 of 4 stars). 2 submissions from 2 submitters: Uncertain significance (2). Last evaluated 2025-04-13.

Conditions:
Inborn genetic diseases. Identifiers: MedGen C0950123, MeSH D030342.
Tyrosinemia type II (TYRSN2). Also called: OREGON TYPE TYROSINEMIA; TAT DEFICIENCY; TYROSINE AMINOTRANSFERASE DEFICIENCY; TYROSINE TRANSAMINASE DEFICIENCY; KERATOSIS PALMOPLANTARIS WITH CORNEAL DYSTROPHY. Identifiers: Orphanet 28378, MedGen C0268487, MONDO:0010160, OMIM 276600.

Allele frequency attached by ClinVar (database versions not stated): gnomAD exomes below 0.00001; ExAC 0.00001; gnomAD 0.00006; TOPMed 0.00006.
gnomAD v4.1: 9 of 1,614,124 alleles (0.00056%); highest among the groups gnomAD compares: African/African-American, 0.012%; no homozygotes.

Submissions (2):

Ambry Genetics
Classification: Uncertain significance for Inborn genetic diseases. Last evaluated: 2025-04-13. Review status: criteria provided, single submitter. Criteria: Ambry Variant Classification Scheme 2023. Collection method: clinical testing. Allele origin: germline.

Labcorp Genetics (formerly Invitae), Labcorp
Classification: Uncertain significance for Tyrosinemia type II. Last evaluated: 2021-08-31. Review status: criteria provided, single submitter. Criteria: Invitae Variant Classification Sherloc (09022015). Collection method: clinical testing. Allele origin: germline.
Comment: This sequence change replaces valine with alanine at codon 183 of the TAT protein (p.Val183Ala). The valine residue is highly conserved and there is a small physicochemical difference between valine and alanine. The frequency data for this variant in the population databases is considered unreliable, as metrics indicate poor data quality at this position in the ExAC database. This variant has not been reported in the literature in individuals affected with TAT-related conditions. Algorithms developed to predict the effect of missense changes on protein structure and function (SIFT, PolyPhen-2, Align-GVGD) all suggest that this variant is likely to be tolerated. In summary, the available evidence is currently insufficient to determine the role of this variant in disease. Therefore, it has been classified as a Variant of Uncertain Significance.

NM_000353.3(TAT):c.548T>C (p.Val183Ala)

Genes: TAT (tyrosine aminotransferase; minus strand), LOC111413029 (BRD4-independent group 4 enhancer GRCh37_chr16:71605697-71606896; plus strand). Cytogenetic location: 16q22.2.
Variant type: single nucleotide variant.
Coding change: c.548T>C on transcript NM_000353.3 (MANE Select); coding-DNA position 548, T replaced by C.
Protein change: p.Val183Ala; replaces valine 183 with alanine.
Molecular consequence: missense variant.
Genome position (GRCh38, 1-based): chr16:71,572,549, A>G on the plus strand (T>C on the coding strand, the complement: TAT is on the minus strand). VCF-style: chr16-71572549-A-G. GRCh37 (hg19) VCF-style: chr16-71606452-A-G.
Other names: c.548T>C (NM_000353.2); short protein forms V183A.
Identifiers: ClinVar variation 1405762 (VCV001405762.6), dbSNP rs770033832, ClinGen allele CA8153968.